The following is an entry in ClinVar:

ClinVar aggregate classification (germline): Benign. Review status: criteria provided, single submitter (1 of 4 stars). 2 submissions from 1 submitter: Benign (2). Last evaluated 2018-01-13.

Conditions:
Parietal foramina 1 (PFM1). Also called: FORAMINA PARIETALIA PERMAGNA; PARIETAL FORAMINA, SYMMETRIC. Identifiers: Orphanet 60015, MedGen C1868599, MONDO:0008197, OMIM 168500.
Craniosynostosis 2 (CRS2). Also called: Warman-Mulliken-Hayward syndrome; Craniosynostosis Warman type; Craniosynostosis Boston type. Identifiers: Orphanet 1541, MedGen C1858160, MONDO:0011481, OMIM 604757.

Allele frequency attached by ClinVar (database versions not stated): gnomAD below 0.00001 and 0.00034; TOPMed 0.00008; 1000 Genomes Project 30x 0.00406; 1000 Genomes Project 0.00439.

Submissions (2):

Illumina Laboratory Services, Illumina
Classification: Benign for Parietal foramina 1. Last evaluated: 2018-01-13. Review status: criteria provided, single submitter. Criteria: ICSL Variant Classification Criteria 13 December 2019. Collection method: clinical testing. Allele origin: germline.
Comment: This variant was observed in the ICSL laboratory as part of a predisposition screen in an ostensibly healthy population. It had not been previously curated by ICSL or reported in the Human Gene Mutation Database (HGMD: prior to June 1st, 2018), and was therefore a candidate for classification through an automated scoring system. Utilizing variant allele frequency, disease prevalence and penetrance estimates, and inheritance mode, an automated score was calculated to assess if this variant is too frequent to cause the disease. Based on the score and internal cut-off values, a variant classified as benign is not then subjected to further curation. The score for this variant resulted in a classification of benign for this disease.

Illumina Laboratory Services, Illumina
Classification: Benign for Craniosynostosis 2. Last evaluated: 2018-01-13. Review status: criteria provided, single submitter. Criteria: ICSL Variant Classification Criteria 13 December 2019. Collection method: clinical testing. Allele origin: germline.
Comment: the same text as in the submission from Illumina Laboratory Services, Illumina above.

NM_002449.5(MSX2):c.*878C>T

Gene: MSX2 (msh homeobox 2; plus strand). Cytogenetic location: 5q35.2.
Variant type: single nucleotide variant.
Coding change: c.*878C>T on transcript NM_002449.5 (MANE Select); 878 bases downstream of the stop codon, C replaced by T.
Molecular consequence: 3 prime UTR variant.
Genome position (GRCh38, 1-based): chr5:174,730,461, C>T. VCF-style: chr5-174730461-C-T. GRCh37 (hg19) VCF-style: chr5-174157464-C-T.
Other names: c.*1306C>T (NM_001363626.2).
Identifiers: ClinVar variation 907565 (VCV000907565.4), dbSNP rs554272174, ClinGen allele CA132701548.